The following is an entry in ClinVar:

ClinVar aggregate classification (germline): Uncertain significance (1 of 4 stars; one submission).

Conditions:
Bethlem myopathy 1A. Also called: MYOPATHY, BENIGN CONGENITAL, WITH CONTRACTURES; Bethlem myopathy 1; Bethlem Muscular Dystrophy. Identifiers: Orphanet 610, MedGen CN029274, MONDO:0024530, OMIM 158810.

Submission:

Labcorp Genetics (formerly Invitae), Labcorp
Classification: Uncertain significance for Bethlem myopathy 1A. Last evaluated: 2024-01-25. Review status: criteria provided, single submitter. Criteria: Invitae Variant Classification Sherloc (09022015). Collection method: clinical testing. Allele origin: germline.
Comment: This sequence change replaces glutamine, which is neutral and polar, with lysine, which is basic and polar, at codon 1741 of the COL6A3 protein (p.Gln1741Lys). This variant is not present in population databases (gnomAD no frequency). This variant has not been reported in the literature in individuals affected with COL6A3-related conditions. Advanced modeling of protein sequence and biophysical properties (such as structural, functional, and spatial information, amino acid conservation, physicochemical variation, residue mobility, and thermodynamic stability) performed at Invitae indicates that this missense variant is not expected to disrupt COL6A3 protein function with a negative predictive value of 80%. In summary, the available evidence is currently insufficient to determine the role of this variant in disease. Therefore, it has been classified as a Variant of Uncertain Significance.

NM_004369.4(COL6A3):c.5221C>A (p.Gln1741Lys)

Gene: COL6A3 (collagen type VI alpha 3 chain; minus strand). Cytogenetic location: 2q37.3.
Variant type: single nucleotide variant.
Coding change: c.5221C>A on transcript NM_004369.4 (MANE Select); coding-DNA position 5221, C replaced by A.
Protein change: p.Gln1741Lys; replaces glutamine 1741 with lysine.
Molecular consequence: missense variant.
Genome position (GRCh38, 1-based): chr2:237,366,966, G>T on the plus strand (C>A on the coding strand, the complement: COL6A3 is on the minus strand). VCF-style: chr2-237366966-G-T. GRCh37 (hg19) VCF-style: chr2-238275609-G-T.
Other names: c.3400C>A, p.Gln1134Lys (NM_057166.5); c.4603C>A, p.Gln1535Lys (NM_057167.4); short protein forms Q1741K, Q1134K, Q1535K.
Identifiers: ClinVar variation 2696107 (VCV002696107.3), dbSNP rs2469883672, ClinGen allele CA351187932.